The following is an entry in ClinVar:

NM_006361.6(HOXB13):c.803G>C (p.Arg268Pro)

Gene: HOXB13 (homeobox B13; minus strand). Cytogenetic location: 17q21.32.
Variant type: single nucleotide variant.
Coding change: c.803G>C on transcript NM_006361.6 (MANE Select); coding-DNA position 803, G replaced by C.
Protein change: p.Arg268Pro; replaces arginine 268 with proline.
Molecular consequence: missense variant.
Genome position (GRCh38, 1-based): chr17:48,726,842, C>G on the plus strand (G>C on the coding strand, the complement: HOXB13 is on the minus strand). VCF-style: chr17-48726842-C-G. GRCh37 (hg19) VCF-style: chr17-46804204-C-G.
Other names: short protein forms R268P.
Identifiers: ClinVar variation 1001068 (VCV001001068.11), dbSNP rs748782183, ClinGen allele CA400105560.

ClinVar aggregate classification (germline): Uncertain significance. Review status: criteria provided, multiple submitters, no conflicts (2 of 4 stars). 2 submissions from 2 submitters: Uncertain significance (2). Last evaluated 2024-10-24.

Conditions:
Hereditary cancer-predisposing syndrome. Also called: Neoplastic Syndromes, Hereditary; Tumor predisposition; Hereditary Cancer Syndrome; Hereditary neoplastic syndrome. Identifiers: Orphanet 140162, MedGen C0027672, MeSH D009386, MONDO:0015356.

Submissions (2):

Labcorp Genetics (formerly Invitae), Labcorp
Classification: Uncertain significance. Last evaluated: 2024-10-24. Review status: criteria provided, single submitter. Criteria: Invitae Variant Classification Sherloc (09022015). Collection method: clinical testing. Allele origin: germline.
Comment: This sequence change replaces arginine, which is basic and polar, with proline, which is neutral and non-polar, at codon 268 of the HOXB13 protein (p.Arg268Pro). This variant is not present in population databases (gnomAD no frequency). This variant has not been reported in the literature in individuals affected with HOXB13-related conditions. ClinVar contains an entry for this variant (Variation ID: 1001068). Invitae Evidence Modeling of protein sequence and biophysical properties (such as structural, functional, and spatial information, amino acid conservation, physicochemical variation, residue mobility, and thermodynamic stability) indicates that this missense variant is expected to disrupt HOXB13 protein function with a positive predictive value of 80%. In summary, the available evidence is currently insufficient to determine the role of this variant in disease. Therefore, it has been classified as a Variant of Uncertain Significance.

Ambry Genetics
Classification: Uncertain significance for Hereditary cancer-predisposing syndrome. Last evaluated: 2024-02-28. Review status: criteria provided, single submitter. Criteria: Ambry Variant Classification Scheme 2023. Collection method: clinical testing. Allele origin: germline.
Comment: The p.R268P variant (also known as c.803G>C), located in coding exon 2 of the HOXB13 gene, results from a G to C substitution at nucleotide position 803. The arginine at codon 268 is replaced by proline, an amino acid with dissimilar properties. This amino acid position is highly conserved in available vertebrate species. In addition, this alteration is predicted to be deleterious by in silico analysis. Since supporting evidence is limited at this time, the clinical significance of this alteration remains unclear.